The following is an entry in ClinVar:

ClinVar aggregate classification (germline): Uncertain significance. Review status: criteria provided, multiple submitters, no conflicts (2 of 4 stars). 2 submissions from 2 submitters: Uncertain significance (2). Last evaluated 2026-06-24.

Conditions:
PKD1L1-related disorder. Also called: PKD1L1-related condition.

gnomAD v4.1: 47 of 1,608,678 alleles (0.0029%); highest among the groups gnomAD compares: Non-Finnish European, 0.004%; no homozygotes.

Submissions (2):

PreventionGenetics, part of Exact Sciences
Classification: Uncertain significance for PKD1L1-related condition. Last evaluated: 2026-06-24. Review status: criteria provided, single submitter. Criteria: ACMG Guidelines, 2015. Collection method: clinical testing. Allele origin: germline.
Comment: The PKD1L1 c.391G>A variant is predicted to result in the amino acid substitution p.Ala131Thr. To our knowledge, this variant has not been reported in the literature. This variant is reported in 0.00089% of alleles in individuals of European (Non-Finnish) descent in gnomAD. At this time, the clinical significance of this variant is uncertain due to the absence of conclusive functional and genetic evidence.

Blueprint Genetics
Classification: Uncertain significance. Last evaluated: 2024-09-10. Review status: criteria provided, single submitter. Criteria: ACMG Guidelines, 2015. Collection method: clinical testing. Allele origin: germline.

NM_138295.5(PKD1L1):c.391G>A (p.Ala131Thr)

Gene: PKD1L1 (polycystin 1 like 1, transient receptor potential channel interacting; minus strand). Cytogenetic location: 7p12.3.
Variant type: single nucleotide variant.
Coding change: c.391G>A on transcript NM_138295.5 (MANE Select); coding-DNA position 391, G replaced by A.
Protein change: p.Ala131Thr; replaces alanine 131 with threonine.
Molecular consequence: missense variant.
Genome position (GRCh38, 1-based): chr7:47,936,853, C>T on the plus strand (G>A on the coding strand, the complement: PKD1L1 is on the minus strand). VCF-style: chr7-47936853-C-T. GRCh37 (hg19) VCF-style: chr7-47976450-C-T.
Other names: c.391G>A (NM_138295.3); short protein forms A131T.
Identifiers: ClinVar variation 4896032 (VCV004896032.2).
Genomic context (GRCh38, chr7:47,936,853, plus strand): 5'-ATGTCATTTGCATGTTCAGAAAAGCAATATTTCGCCATGGTACATTGACATACCTATCAG[C>T]ACTGTTATCACAATCCAGAGGCGCCTGTGTTTTTTCATTAACAACAGCCTGTGTTTTTTC-3'
Protein context (NP_612152.1, residues 121-141): TQAPLDCDNS[Ala131Thr]DRIPHKPFII